The following is an entry in ClinVar:

ClinVar aggregate classification (germline): Likely pathogenic (1 of 4 stars; one submission).

Conditions:
Bardet-Biedl syndrome 2 (BBS2). Identifiers: Orphanet 110, MedGen C2936863, MONDO:0014432, OMIM 615981.

Submission:

Myriad Genetics, Inc.
Classification: Likely pathogenic for Bardet-Biedl syndrome 2. Last evaluated: 2021-12-17. Review status: criteria provided, single submitter. Criteria: Myriad Women's Health Autosomal Recessive and X-Linked Classification Criteria (2021). Collection method: clinical testing. Allele origin: unknown.
Comment: NM_031885.3(BBS2):c.784dupA(T262Nfs*9) is expected to be pathogenic in the context of Bardet-Biedl syndrome, BBS2-related. This variant is predicted to lead to an abnormal or absent protein product due to the creation of a premature termination codon in BBS2, a gene where loss-of-function variants are known to be pathogenic. Please note: this variant was assessed in the context of healthy population screening.

NM_031885.5(BBS2):c.784dup (p.Thr262fs)

Gene: BBS2 (Bardet-Biedl syndrome 2; minus strand). Cytogenetic location: 16q13.
Variant type: Duplication.
Coding change: c.784dup on transcript NM_031885.5 (MANE Select); coding-DNA position 784, one base duplicated (A; older notation c.784dupA).
Protein change: p.Thr262fs; shifts the reading frame from threonine 262.
Molecular consequence: frameshift variant. On other transcripts: non-coding transcript variant (5).
Genome position (GRCh38, 1-based): chr16:56,505,970, T duplicated on the plus strand (A on the coding strand, the reverse complement: BBS2 is on the minus strand); the first of 2 consecutive T bases (chr16:56,505,970-56,505,971); duplicating either gives the same sequence. VCF-style (leftmost placement, unchanged base first): chr16-56505969-G-GT. GRCh37 (hg19) VCF-style: chr16-56539881-G-GT.
Other names: c.784dup, p.Thr262fs (NM_001377456.1); short protein forms T262fs.
Identifiers: ClinVar variation 1726460 (VCV001726460.2), dbSNP rs2543720613, ClinGen allele CA2580091773.